The following is an entry in ClinVar:

ClinVar aggregate classification (germline): Likely benign (1 of 4 stars; one submission).

Allele frequency attached by ClinVar (database versions not stated): gnomAD exomes 0.00002; ExAC 0.00003; gnomAD 0.00003; TOPMed 0.00003; 1000 Genomes Project 30x 0.00016; 1000 Genomes Project 0.00020.
gnomAD v4.1: 43 of 1,614,150 alleles (0.0027%); highest among the groups gnomAD compares: Admixed American, 0.005%; no homozygotes.

Submission:

CeGaT Center for Human Genetics Tuebingen
Classification: Likely benign. Last evaluated: 2023-05-01. Review status: criteria provided, single submitter. Criteria: CeGaT Center For Human Genetics Tuebingen Variant Classification Criteria Version 2. Collection method: clinical testing. Allele origin: germline. Affected: yes. Observed: 1 variant allele.
Comment: CDON: BP4, BP7

NM_001378964.1(CDON):c.225T>C (p.Val75=)

Gene: CDON (cell adhesion associated, oncogene regulated; minus strand). Cytogenetic location: 11q24.2.
Variant type: single nucleotide variant.
Coding change: c.225T>C on transcript NM_001378964.1 (MANE Select); coding-DNA position 225, T replaced by C.
Protein change: p.Val75=; no amino-acid change (valine 75 retained).
Molecular consequence: synonymous variant.
Genome position (GRCh38, 1-based): chr11:126,021,372, A>G on the plus strand (T>C on the coding strand, the complement: CDON is on the minus strand). VCF-style: chr11-126021372-A-G. GRCh37 (hg19) VCF-style: chr11-125891267-A-G.
Other names: c.225T>C, p.Val75= (NM_001243597.3, NM_016952.6).
Identifiers: ClinVar variation 2642521 (VCV002642521.24), dbSNP rs200691100, ClinGen allele CA6352387.